The following is an entry in ClinVar:

NM_001943.5(DSG2):c.600C>A (p.Ile200=)

Gene: DSG2 (desmoglein 2; plus strand). Cytogenetic location: 18q12.1.
Variant type: single nucleotide variant.
Coding change: c.600C>A on transcript NM_001943.5 (MANE Select); coding-DNA position 600, C replaced by A.
Protein change: p.Ile200=; no amino-acid change (isoleucine 200 retained).
Molecular consequence: synonymous variant.
Genome position (GRCh38, 1-based): chr18:31,522,159, C>A. VCF-style: chr18-31522159-C-A. GRCh37 (hg19) VCF-style: chr18-29102122-C-A.
Other names: c.600C>A (LRG_397t1).
Identifiers: ClinVar variation 512693 (VCV000512693.15), dbSNP rs535646295, ClinGen allele CA049485.
Genomic context (GRCh38, chr18:31,522,159, plus strand): 5'-AATCAATGCAACAGATGCAGATGAGCCCAATACCCTGAATTCGAAAATTTCCTATAGAAT[C>A]GTATCTCTGGAGCCTGCTTATCCTCCAGTGTTCTACCTAAATAAAGATACAGGAGAGATT-3'
Protein context (NP_001934.2, residues 190-210): NTLNSKISYR[Ile200=]VSLEPAYPPV

ClinVar aggregate classification (germline): Likely benign. Review status: criteria provided, multiple submitters, no conflicts (2 of 4 stars). 6 submissions from 6 submitters: Likely benign (6). Last evaluated 2026-01-24.

Conditions:
Arrhythmogenic right ventricular cardiomyopathy (ARVD). Also called: Cardiomyopathy, ARVC; Arrhythmogenic right ventricular dysplasia; Arrhythmogenic Right Ventricular Cardiomyopathy (ARVC); Arrhythmogenic cardiomyopathy. Identifiers: Orphanet 247, MedGen C0349788, MeSH D019571, MONDO:0016587. Disease mechanism: loss of function. Inheritance: Various modes of inheritance.
Cardiovascular phenotype. Identifiers: MedGen CN230736.
Cardiomyopathy (CMYO). Also called: Cardiomyopathies. Identifiers: Orphanet 167848, MedGen C0878544, MONDO:0004994, HP:0001638. Inheritance: Various modes of inheritance.
Arrhythmogenic right ventricular dysplasia 10. Also called: ARRHYTHMOGENIC RIGHT VENTRICULAR DYSPLASIA, FAMILIAL, 10; Arrhythmogenic right ventricular dysplasia/cardiomyopathy, type 10; Arrhythmogenic Right Ventricular Dysplasia/Cardiomyopathy10. Identifiers: MedGen C1857777, MONDO:0012434, OMIM 610193.

Allele frequency attached by ClinVar (database versions not stated): ExAC 0.00001; gnomAD exomes 0.00001; TOPMed 0.00003; gnomAD 0.00006 and 0.00007.

Submissions (6):

Labcorp Genetics (formerly Invitae), Labcorp
Classification: Likely benign for Arrhythmogenic right ventricular dysplasia 10. Last evaluated: 2026-01-24. Review status: criteria provided, single submitter. Criteria: Invitae Variant Classification Sherloc (09022015). Collection method: clinical testing. Allele origin: germline.

All of Us Research Program, National Institutes of Health
Classification: Likely benign for Arrhythmogenic right ventricular cardiomyopathy. Last evaluated: 2024-07-20. Review status: criteria provided, single submitter. Criteria: ACMG Guidelines, 2015. Collection method: clinical testing. Allele origin: germline. Inheritance: Autosomal dominant inheritance. Observed: 2 variant alleles, 2 heterozygotes.
Comment: This study involves interpretation of variants in research participants for the purpose of population health screening. Participant phenotype was not available at the time of variant classification. Additional details can be found in publication PMID: 35346344, PMCID: PMC8962531

Color Diagnostics, LLC DBA Color Health
Classification: Likely benign for Cardiomyopathy. Last evaluated: 2023-06-07. Review status: criteria provided, single submitter. Criteria: ACMG Guidelines, 2015. Collection method: clinical testing. Allele origin: germline.

Blueprint Genetics
Classification: Likely benign. Last evaluated: 2022-10-27. Review status: criteria provided, single submitter. Criteria: ACMG Guidelines, 2015. Collection method: clinical testing. Allele origin: germline.

Ambry Genetics
Classification: Likely benign for Cardiovascular phenotype. Last evaluated: 2021-10-01. Review status: criteria provided, single submitter. Criteria: Ambry Variant Classification Scheme 2023. Collection method: clinical testing. Allele origin: germline.

GeneDx
Classification: Likely benign. Last evaluated: 2017-11-16. Review status: criteria provided, single submitter. Criteria: GeneDx Variant Classification (06012015). Collection method: clinical testing. Allele origin: germline. Affected: yes.
Comment: This variant is considered likely benign or benign based on one or more of the following criteria: it is a conservative change, it occurs at a poorly conserved position in the protein, it is predicted to be benign by multiple in silico algorithms, and/or has population frequency not consistent with disease.